The following is an entry in ClinVar:

NM_001379659.1(ZNF142):c.1264C>T (p.Pro422Ser)

Gene: ZNF142 (zinc finger protein 142; minus strand). Cytogenetic location: 2q35.
Variant type: single nucleotide variant.
Coding change: c.1264C>T on transcript NM_001379659.1 (MANE Select); coding-DNA position 1264, C replaced by T.
Protein change: p.Pro422Ser; replaces proline 422 with serine.
Molecular consequence: missense variant.
Genome position (GRCh38, 1-based): chr2:218,649,244, G>A on the plus strand (C>T on the coding strand, the complement: ZNF142 is on the minus strand). VCF-style: chr2-218649244-G-A. GRCh37 (hg19) VCF-style: chr2-219513967-G-A.
Other names: c.664C>T, p.Pro222Ser (NM_001105537.5, NM_001366291.3, NM_001379662.1); c.175C>T, p.Pro59Ser (NM_001366287.3, NM_001366288.3, NM_001366289.3); c.1264C>T, p.Pro422Ser (NM_001366290.3, NM_001379660.1, NM_001379661.1); short protein forms P222S, P422S, P59S.
Identifiers: ClinVar variation 3391698 (VCV003391698.3).

ClinVar aggregate classification (germline): Uncertain significance. Review status: criteria provided, multiple submitters, no conflicts (2 of 4 stars). 2 submissions from 2 submitters: Uncertain significance (2). Last evaluated 2025-11-05.

Conditions:
Inborn genetic diseases. Identifiers: MedGen C0950123, MeSH D030342.

Submissions (2):

Ambry Genetics
Classification: Uncertain significance for Inborn genetic diseases. Last evaluated: 2025-11-05. Review status: criteria provided, single submitter. Criteria: Ambry Variant Classification Scheme 2023. Collection method: clinical testing. Allele origin: germline.

GeneDx
Classification: Uncertain significance. Last evaluated: 2025-06-13. Review status: criteria provided, single submitter. Criteria: GeneDx Variant Classification Process June 2021. Collection method: clinical testing. Allele origin: germline.
Comment: In silico analysis indicates that this missense variant does not alter protein structure/function; Has not been previously published as pathogenic or benign to our knowledge